The following is an entry in ClinVar:

ClinVar aggregate classification (germline): Pathogenic (1 of 4 stars; one submission).

Conditions:
Infantile neuroaxonal dystrophy (NBIA2A). Also called: NEURODEGENERATION WITH BRAIN IRON ACCUMULATION 2A; SEITELBERGER DISEASE; Infantile neuroaxonal dystrophy 1. Identifiers: Orphanet 35069, MedGen C0270724, MONDO:0024457, OMIM 256600.

Submission:

Labcorp Genetics (formerly Invitae), Labcorp
Classification: Pathogenic for Infantile neuroaxonal dystrophy. Last evaluated: 2023-02-03. Review status: criteria provided, single submitter. Criteria: Invitae Variant Classification Sherloc (09022015). Collection method: clinical testing. Allele origin: unknown.
Comment: For these reasons, this variant has been classified as Pathogenic. This variant has not been reported in the literature in individuals affected with PLA2G6-related conditions. This variant is a gross deletion of the genomic region encompassing exon(s) 2-5 of the PLA2G6 gene, which includes the initiator codon. This deletion extends beyond the assayed region for this gene and therefore may encompass additional genes. It is expected to result in an absent or disrupted protein product. Loss-of-function variants in PLA2G6 are known to be pathogenic (PMID: 16783378, 18570303, 18799783, 22213678).

Literature cited by the submitters: PubMed 16783378; PubMed 18570303; PubMed 18799783; PubMed 22213678.

NC_000022.10:g.(?_38535969)_(38565433_?)del

Gene: PLA2G6 (phospholipase A2 group VI; minus strand). Cytogenetic location: 22q13.1.
Variant type: Deletion.
Identifiers: ClinVar variation 3247293 (VCV003247293.1).